The following is an entry in ClinVar:

ClinVar aggregate classification (germline): Likely benign (1 of 4 stars; one submission).

Allele frequency attached by ClinVar (database versions not stated): 1000 Genomes Project 30x 0.00016; 1000 Genomes Project 0.00020; ExAC 0.00022; ESP Exome Variant Server 0.00068.
gnomAD v4.1: 274 of 1,612,680 alleles (0.017%); highest among the groups gnomAD compares: Non-Finnish European, 0.012%; no homozygotes.

Submission:

CeGaT Center for Human Genetics Tuebingen
Classification: Likely benign. Last evaluated: 2022-07-01. Review status: criteria provided, single submitter. Criteria: CeGaT Center For Human Genetics Tuebingen Variant Classification Criteria Version 2. Collection method: clinical testing. Allele origin: germline. Affected: yes. Observed: 1 variant allele.
Comment: RGS22: BP4, BP7

NM_015668.5(RGS22):c.1728C>A (p.Pro576=)

Gene: RGS22 (regulator of G protein signaling 22; minus strand). Cytogenetic location: 8q22.2.
Variant type: single nucleotide variant.
Coding change: c.1728C>A on transcript NM_015668.5 (MANE Select); coding-DNA position 1728, C replaced by A.
Protein change: p.Pro576=; no amino-acid change (proline 576 retained).
Molecular consequence: synonymous variant.
Genome position (GRCh38, 1-based): chr8:100,047,558, G>T on the plus strand (C>A on the coding strand, the complement: RGS22 is on the minus strand). VCF-style: chr8-100047558-G-T. GRCh37 (hg19) VCF-style: chr8-101059786-G-T.
Other names: c.1692C>A, p.Pro564= (NM_001286692.2); c.1185C>A, p.Pro395= (NM_001286693.2).
Identifiers: ClinVar variation 2658710 (VCV002658710.24), dbSNP rs181935065, ClinGen allele CA4826119.